The following is an entry in ClinVar:

NM_000400.4(ERCC2):c.2013G>T (p.Lys671Asn)

Gene: ERCC2 (ERCC excision repair 2, TFIIH core complex helicase subunit; minus strand). Cytogenetic location: 19q13.32.
Variant type: single nucleotide variant.
Coding change: c.2013G>T on transcript NM_000400.4 (MANE Select); coding-DNA position 2013, G replaced by T.
Protein change: p.Lys671Asn; replaces lysine 671 with asparagine.
Molecular consequence: missense variant.
Genome position (GRCh38, 1-based): chr19:45,352,539, C>A on the plus strand (G>T on the coding strand, the complement: ERCC2 is on the minus strand). VCF-style: chr19-45352539-C-A. GRCh37 (hg19) VCF-style: chr19-45855797-C-A.
Other names: short protein forms K671N.
Identifiers: ClinVar variation 1784444 (VCV001784444.2), dbSNP rs2513999195, ClinGen allele CA406362912.
Genomic context (GRCh38, chr19:45,352,539, plus strand): 5'-AGCACAGGGGCACCCCTGAAGCTGCACCTTGTCGGCAAAGACCATGAGGCCGTAGTCCGT[C>A]TTGCCCCTGATGGCCCGACCCACACACTGGGCCGCGTGGCGCATGGCATCGAAGGTAAGA-3'
Protein context (NP_000391.1, residues 661-681): AQCVGRAIRG[Lys671Asn]TDYGLMVFAD

ClinVar aggregate classification (germline): Uncertain significance (1 of 4 stars; one submission).

Conditions:
Inborn genetic diseases. Identifiers: MedGen C0950123, MeSH D030342.

Submission:

Ambry Genetics
Classification: Uncertain significance for Inborn genetic diseases. Last evaluated: 2021-06-15. Review status: criteria provided, single submitter. Criteria: Ambry Variant Classification Scheme 2023. Collection method: clinical testing. Allele origin: germline.
Comment: The p.K671N variant (also known as c.2013G>T), located in coding exon 21 of the ERCC2 gene, results from a G to T substitution at nucleotide position 2013. The lysine at codon 671 is replaced by asparagine, an amino acid with similar properties. This amino acid position is conserved. In addition, the in silico prediction for this alteration is inconclusive. Since supporting evidence is limited at this time, the clinical significance of this alteration remains unclear.